The following is an entry in ClinVar:

ClinVar aggregate classification (germline): Conflicting classifications of pathogenicity. Review status: criteria provided, conflicting classifications (1 of 4 stars). 3 submissions from 3 submitters: Uncertain significance (2); Likely benign (1). Last evaluated 2025-08-08.

Conditions:
Congenital stromal corneal dystrophy (CSCD). Identifiers: Orphanet 101068, MedGen C1864738, MONDO:0012401, OMIM 610048.
Inborn genetic diseases. Identifiers: MedGen C0950123, MeSH D030342.

Allele frequency attached by ClinVar (database versions not stated): gnomAD exomes 0.00001 and 0.00003; ExAC 0.00003; gnomAD 0.00013 and 0.00014; ESP Exome Variant Server 0.00015; TOPMed 0.00019.
gnomAD v4.1: 42 of 1,611,526 alleles (0.0026%); highest among the groups gnomAD compares: African/African-American, 0.044%; 2 homozygotes.

Submissions (3):

Ambry Genetics
Classification: Uncertain significance for Inborn genetic diseases. Last evaluated: 2025-08-08. Review status: criteria provided, single submitter. Criteria: Ambry Variant Classification Scheme 2023. Collection method: clinical testing. Allele origin: germline.

New York Genome Center
Classification: Uncertain significance for Congenital stromal corneal dystrophy. Last evaluated: 2021-05-07. Review status: criteria provided, single submitter. Criteria: NYGC Assertion Criteria 2020. Collection method: clinical testing. Allele origin: inherited. Observed: 1 heterozygote. Study: CSER-NYCKidSeq.

Illumina Laboratory Services, Illumina
Classification: Likely benign for Congenital stromal corneal dystrophy. Last evaluated: 2018-01-12. Review status: criteria provided, single submitter. Criteria: ICSL Variant Classification Criteria 13 December 2019. Collection method: clinical testing. Allele origin: germline.
Comment: This variant was observed in the ICSL laboratory as part of a predisposition screen in an ostensibly healthy population. It had not been previously curated by ICSL or reported in the Human Gene Mutation Database (HGMD: prior to June 1st, 2018), and was therefore a candidate for classification through an automated scoring system. Utilizing variant allele frequency, disease prevalence and penetrance estimates, and inheritance mode, an automated score was calculated to assess if this variant is too frequent to cause the disease. Based on the score and internal cut-off values, a variant classified as likely benign is not then subjected to further curation. The score for this variant resulted in a classification of likely benign for this disease.

NM_001920.5(DCN):c.621T>G (p.Ile207Met)

Gene: DCN (decorin; minus strand). Cytogenetic location: 12q21.33.
Variant type: single nucleotide variant.
Coding change: c.621T>G on transcript NM_001920.5 (MANE Select); coding-DNA position 621, T replaced by G.
Protein change: p.Ile207Met; replaces isoleucine 207 with methionine.
Molecular consequence: missense variant. On other transcripts: intron variant (3).
Genome position (GRCh38, 1-based): chr12:91,157,106, A>C on the plus strand (T>G on the coding strand, the complement: DCN is on the minus strand). VCF-style: chr12-91157106-A-C. GRCh37 (hg19) VCF-style: chr12-91550883-A-C.
Other names: c.621T>G, p.Ile207Met (NM_133503.4); c.294T>G, p.Ile98Met (NM_133504.3); c.212-10854T>G (NM_133507.3); c.212-3917T>G (NM_133505.3); c.324+7499T>G (NM_133506.3); short protein forms I207M, I98M.
Identifiers: ClinVar variation 310657 (VCV000310657.7), dbSNP rs373676217, ClinGen allele CA6717010.